The following is an entry in ClinVar:

ClinVar aggregate classification (germline): Benign/Likely benign. Review status: criteria provided, multiple submitters, no conflicts (2 of 4 stars). 4 submissions from 4 submitters: Benign (3); Likely benign (1). Last evaluated 2025-08-18.

Allele frequency attached by ClinVar (database versions not stated): gnomAD exomes 0.00159 and 0.00244; ExAC 0.00276; gnomAD 0.00404 and 0.00406; 1000 Genomes Project 30x 0.00468; 1000 Genomes Project 0.00479; TOPMed 0.00490; ESP Exome Variant Server 0.00577.
gnomAD v4.1: 3,013 of 1,614,138 alleles (0.19%); highest among the groups gnomAD compares: Middle Eastern, 2.3%; 22 homozygotes.

Submissions (4):

Genomic Medicine Center of Excellence, King Faisal Specialist Hospital and Research Centre
Classification: Likely benign. Last evaluated: 2025-08-18. Review status: criteria provided, single submitter. Criteria: ACMG Guidelines, 2015. Collection method: clinical testing. Allele origin: germline.

CeGaT Center for Human Genetics Tuebingen
Classification: Benign. Last evaluated: 2024-05-01. Review status: criteria provided, single submitter. Criteria: CeGaT Center For Human Genetics Tuebingen Variant Classification Criteria Version 2. Collection method: clinical testing. Allele origin: germline. Affected: yes. Observed: 2 variant alleles.
Comment: MYO1D: BS1, BS2

Labcorp Genetics (formerly Invitae), Labcorp
Classification: Benign. Last evaluated: 2019-12-31. Review status: criteria provided, single submitter. Criteria: Invitae Variant Classification Sherloc (09022015). Collection method: clinical testing. Allele origin: germline.

Breakthrough Genomics
Classification: Benign. Review status: criteria provided, single submitter. Criteria: ACMG Guidelines, 2015. Collection method: not provided. Allele origin: germline. Inheritance: Unknown mechanism. Affected: yes.

NM_015194.3(MYO1D):c.2293C>T (p.Pro765Ser)

Gene: MYO1D (myosin ID; minus strand). Cytogenetic location: 17q11.2.
Variant type: single nucleotide variant.
Coding change: c.2293C>T on transcript NM_015194.3 (MANE Select); coding-DNA position 2293, C replaced by T.
Protein change: p.Pro765Ser; replaces proline 765 with serine.
Molecular consequence: missense variant.
Genome position (GRCh38, 1-based): chr17:32,659,167, G>A on the plus strand (C>T on the coding strand, the complement: MYO1D is on the minus strand). VCF-style: chr17-32659167-G-A. GRCh37 (hg19) VCF-style: chr17-30986185-G-A.
Other names: c.2293C>T, p.Pro765Ser (NM_001303279.2); short protein forms P765S.
Identifiers: ClinVar variation 710462 (VCV000710462.28), dbSNP rs7209106, ClinGen allele CA8493587.
Genomic context (GRCh38, chr17:32,659,167, plus strand): 5'-GTTCTTACCTATTGAAAATCGTCTGCAGGGCCTCCTCAAAACGGCGAAGAACTTTAGGAG[G>A]GCTTGGCCACTTCACGTGCTTCCCGTAGTCTCGCATGGTCTTGACGCCATGGAAGCGTCT-3'
Protein context (NP_056009.1, residues 755-775): DYGKHVKWPS[Pro765Ser]PKVLRRFEEA